The following is an entry in ClinVar:

ClinVar aggregate classification (germline): Uncertain significance (1 of 4 stars; one submission).

Conditions:
Cardiovascular phenotype. Identifiers: MedGen CN230736.

Allele frequency attached by ClinVar (database versions not stated): TOPMed below 0.00001.

Submission:

Ambry Genetics
Classification: Uncertain significance for Cardiovascular phenotype. Last evaluated: 2023-10-26. Review status: criteria provided, single submitter. Criteria: Ambry Variant Classification Scheme 2023. Collection method: clinical testing. Allele origin: germline.
Comment: The p.P1178L variant (also known as c.3533C>T), located in coding exon 2 of the ZNF469 gene, results from a C to T substitution at nucleotide position 3533. The proline at codon 1178 is replaced by leucine, an amino acid with similar properties. This amino acid position is conserved. In addition, this alteration is predicted to be tolerated by in silico analysis. Since supporting evidence is limited at this time, the clinical significance of this alteration remains unclear.

NM_001367624.2(ZNF469):c.3617C>T (p.Pro1206Leu)

Gene: ZNF469 (zinc finger protein 469; plus strand). Cytogenetic location: 16q24.2.
Variant type: single nucleotide variant.
Coding change: c.3617C>T on transcript NM_001367624.2 (MANE Select); coding-DNA position 3617, C replaced by T.
Protein change: p.Pro1206Leu; replaces proline 1206 with leucine.
Molecular consequence: missense variant.
Genome position (GRCh38, 1-based): chr16:88,431,087, C>T. VCF-style: chr16-88431087-C-T. GRCh37 (hg19) VCF-style: chr16-88497495-C-T.
Other names: NM_001127464.1:c.3533C>T; short protein forms P1206L.
Identifiers: ClinVar variation 3232798 (VCV003232798.1), dbSNP rs1313916446, ClinGen allele CA397085536.
Genomic context (GRCh38, chr16:88,431,087, plus strand): 5'-AGGGAGGCCCCAAGTGTGCTGATCGCCCCTCAGTGGCCCCCAAGGATCCCCTGCAGGTCC[C>T]CACCAACACCGAGACCTCAGAGGAAACCCGCCCGTCGCTGGACTTTCCCCAGGAGGCCAA-3'
Protein context (NP_001354553.1, residues 1196-1216): SVAPKDPLQV[Pro1206Leu]TNTETSEETR